The following is an entry in ClinVar:

NM_003072.5(SMARCA4):c.4915C>T (p.Arg1639Cys)

Gene: SMARCA4 (SWI/SNF related BAF chromatin remodeling complex subunit ATPase 4; plus strand). Cytogenetic location: 19p13.2.
Variant type: single nucleotide variant.
Coding change: c.4915C>T on transcript NM_003072.5 (MANE Select); coding-DNA position 4915, C replaced by T.
Protein change: p.Arg1639Cys; replaces arginine 1639 with cysteine.
Molecular consequence: missense variant. On other transcripts: non-coding transcript variant (1).
Genome position (GRCh38, 1-based): chr19:11,061,787, C>T. VCF-style: chr19-11061787-C-T. GRCh37 (hg19) VCF-style: chr19-11172463-C-T.
Other names: c.4915C>T, p.Arg1639Cys (NM_001128844.3); c.4825C>T, p.Arg1609Cys (NM_001128845.2); c.4822C>T, p.Arg1608Cys (NM_001128846.2); c.4816C>T, p.Arg1606Cys (NM_001128847.4, NM_001374457.1); c.4813C>T, p.Arg1605Cys (NM_001128848.2); c.5011C>T, p.Arg1671Cys (NM_001128849.3, NM_001387283.1); c.5011C>T (NM_001128849.2); short protein forms R1671C, R1605C, R1608C, R1606C, R1639C, R1609C.
Identifiers: ClinVar variation 408638 (VCV000408638.22), dbSNP rs776222414, ClinGen allele CA9204920.

ClinVar aggregate classification (germline): Conflicting classifications of pathogenicity. Review status: criteria provided, conflicting classifications (1 of 4 stars). 7 submissions from 7 submitters: Uncertain significance (6); Likely benign (1). Last evaluated 2026-07-08.

Conditions:
Intellectual disability, autosomal dominant 16 (CSS4). Also called: COFFIN-SIRIS SYNDROME 4. Identifiers: Orphanet 1465, MedGen C3553249, MONDO:0013821, OMIM 614609.
Rhabdoid tumor predisposition syndrome 2 (RTPS2). Identifiers: Orphanet 231108, Orphanet 69077, MedGen C2750074, MONDO:0013224, OMIM 613325.
Hereditary cancer-predisposing syndrome. Also called: Hereditary Cancer Syndrome; Hereditary neoplastic syndrome; Neoplastic Syndromes, Hereditary; Tumor predisposition. Identifiers: Orphanet 140162, MedGen C0027672, MeSH D009386, MONDO:0015356.

Allele frequency attached by ClinVar (database versions not stated): gnomAD 0.00001; TOPMed 0.00001; gnomAD exomes 0.00002 and 0.00003; ExAC 0.00001.
gnomAD v4.1: 40 of 1,613,680 alleles (0.0025%); highest among the groups gnomAD compares: Non-Finnish European, 0.0033%; no homozygotes.

Submissions (7):

Myriad Genetics, Inc.
Classification: Likely benign for Rhabdoid tumor predisposition syndrome 2. Last evaluated: 2026-07-08. Review status: criteria provided, single submitter. Criteria: Myriad Autosomal Dominant, Autosomal Recessive and X-Linked Classification Criteria (2023). Collection method: clinical testing. Allele origin: unknown.
Comment: This variant is considered likely benign. This variant has been observed at a population frequency that is significantly greater than expected given the associated disease prevalence and penetrance.

St. Jude Molecular Pathology, St. Jude Children's Research Hospital
Classification: Uncertain significance for Rhabdoid tumor predisposition syndrome 2. Last evaluated: 2026-02-11. Review status: criteria provided, single submitter. Criteria: St. Jude Assertion Criteria 2020. Collection method: clinical testing. Allele origin: germline.
Comment: The SMARCA4 c.5011C>T p.(Arg1671Cys) missense change has a maximum subpopulation frequency of 0.004% in gnomAD v2.1.1. The in silico tool REVEL is inconclusive about a pathogenic or benign effect of this variant on protein function, and to our knowledge functional studies have not been performed. To our knowledge, this variant has not been reported in individuals with rhabdoid tumor predisposition syndrome. In summary, the evidence currently available is insufficient to determine the clinical significance of this variant. It has therefore been classified as of uncertain significance.

Labcorp Genetics (formerly Invitae), Labcorp
Classification: Uncertain significance for Rhabdoid tumor predisposition syndrome 2. Last evaluated: 2026-01-04. Review status: criteria provided, single submitter. Criteria: Invitae Variant Classification Sherloc (09022015). Collection method: clinical testing. Allele origin: germline.
Comment: This sequence change replaces arginine, which is basic and polar, with cysteine, which is neutral and slightly polar, at codon 1671 of the SMARCA4 protein (p.Arg1671Cys). This variant is present in population databases (rs776222414, gnomAD 0.004%). This variant has not been reported in the literature in individuals affected with SMARCA4-related conditions. ClinVar contains an entry for this variant (Variation ID: 408638). Experimental studies and prediction algorithms are not available or were not evaluated, and the functional significance of this variant is currently unknown. In summary, the available evidence is currently insufficient to determine the role of this variant in disease. Therefore, it has been classified as a Variant of Uncertain Significance.

Ambry Genetics
Classification: Uncertain significance for Hereditary cancer-predisposing syndrome. Last evaluated: 2025-06-25. Review status: criteria provided, single submitter. Criteria: Ambry Variant Classification Scheme 2023. Collection method: clinical testing. Allele origin: germline.
Comment: The p.R1671C variant (also known as c.5011C>T), located in coding exon 35 of the SMARCA4 gene, results from a C to T substitution at nucleotide position 5011. The arginine at codon 1671 is replaced by cysteine, an amino acid with highly dissimilar properties. This variant has been detected in multiple individuals with no reported features of Coffin-Sirris syndrome (Ambry internal data). This amino acid position is well conserved in available vertebrate species. In addition, the in silico prediction for this alteration is inconclusive. Based on the supporting evidence, the association of this alteration with rhabdoid tumor predisposition syndrome is unknown; however, the association of this alteration with Coffin-Siris syndrome is unlikely.

GeneDx
Classification: Uncertain significance. Last evaluated: 2023-12-03. Review status: criteria provided, single submitter. Criteria: GeneDx Variant Classification Process June 2021. Collection method: clinical testing. Allele origin: germline. Affected: yes.
Comment: In silico analysis supports that this missense variant does not alter protein structure/function; Has not been previously published as pathogenic or benign to our knowledge

Baylor Genetics
Classification: Uncertain significance for Rhabdoid tumor predisposition syndrome 2. Last evaluated: 2023-05-26. Review status: criteria provided, single submitter. Criteria: ACMG Guidelines, 2015. Collection method: clinical testing. Allele origin: unknown.

Genome-Nilou Lab
Classification: Uncertain significance for Intellectual disability, autosomal dominant 16. Last evaluated: 2021-07-15. Review status: criteria provided, single submitter. Criteria: ACMG Guidelines, 2015. Collection method: clinical testing. Allele origin: germline. Affected: no.